The following is an entry in ClinVar:

NM_003072.5(SMARCA4):c.1044G>A (p.Lys348=)

Gene: SMARCA4 (SWI/SNF related BAF chromatin remodeling complex subunit ATPase 4; plus strand). Cytogenetic location: 19p13.2.
Variant type: single nucleotide variant.
Coding change: c.1044G>A on transcript NM_003072.5 (MANE Select); coding-DNA position 1044, G replaced by A.
Protein change: p.Lys348=; no amino-acid change (lysine 348 retained).
Molecular consequence: synonymous variant. On other transcripts: non-coding transcript variant (1).
Genome position (GRCh38, 1-based): chr19:10,987,850, G>A. VCF-style: chr19-10987850-G-A. GRCh37 (hg19) VCF-style: chr19-11098526-G-A.
Other names: c.1044G>A, p.Lys348= (NM_001128844.3, NM_001128845.2, NM_001128846.2 and 5 more transcripts).
Identifiers: ClinVar variation 391823 (VCV000391823.20), dbSNP rs566093923, ClinGen allele CA9203663.

ClinVar aggregate classification (germline): Benign/Likely benign. Review status: criteria provided, multiple submitters, no conflicts (2 of 4 stars). 7 submissions from 7 submitters: Benign (2); Likely benign (5). Last evaluated 2026-07-09.

Conditions:
SMARCA4-related disorder. Also called: SMARCA4-related condition.
Rhabdoid tumor predisposition syndrome 2 (RTPS2). Identifiers: Orphanet 231108, Orphanet 69077, MedGen C2750074, MONDO:0013224, OMIM 613325.
Hereditary cancer-predisposing syndrome. Also called: Hereditary Cancer Syndrome; Hereditary neoplastic syndrome; Neoplastic Syndromes, Hereditary; Tumor predisposition. Identifiers: Orphanet 140162, MedGen C0027672, MeSH D009386, MONDO:0015356.

Allele frequency attached by ClinVar (database versions not stated): 1000 Genomes Project 0.00040; gnomAD 0.00003 and 0.00004; ExAC 0.00004; 1000 Genomes Project 30x 0.00031; TOPMed 0.00005; gnomAD exomes 0.00006 and 0.00005.
gnomAD v4.1: 92 of 1,612,170 alleles (0.0057%); highest among the groups gnomAD compares: Middle Eastern, 0.017%; 1 homozygote.

Submissions (7):

Myriad Genetics, Inc.
Classification: Benign for Rhabdoid tumor predisposition syndrome 2. Last evaluated: 2026-07-09. Review status: criteria provided, single submitter. Criteria: Myriad Autosomal Dominant, Autosomal Recessive and X-Linked Classification Criteria (2023). Collection method: clinical testing. Allele origin: unknown.
Comment: This variant is considered benign. This variant is a silent/synonymous amino acid change and it is not expected to impact splicing.

Labcorp Genetics (formerly Invitae), Labcorp
Classification: Likely benign for Rhabdoid tumor predisposition syndrome 2. Last evaluated: 2026-01-26. Review status: criteria provided, single submitter. Criteria: Invitae Variant Classification Sherloc (09022015). Collection method: clinical testing. Allele origin: germline.

PreventionGenetics, part of Exact Sciences
Classification: Likely benign for SMARCA4-related condition. Last evaluated: 2024-10-11. Review status: criteria provided, single submitter. Criteria: ACMG Guidelines, 2015. Collection method: clinical testing. Allele origin: germline.
Comment: This variant is classified as likely benign based on ACMG/AMP sequence variant interpretation guidelines (Richards et al. 2015 PMID: 25741868, with internal and published modifications).

Blueprint Genetics
Classification: Likely benign. Last evaluated: 2024-09-19. Review status: criteria provided, single submitter. Criteria: ACMG Guidelines, 2015. Collection method: clinical testing. Allele origin: germline.

Sema4
Classification: Benign for Hereditary cancer-predisposing syndrome. Last evaluated: 2021-04-29. Review status: criteria provided, single submitter. Criteria: Sema4 Curation Guidelines. Collection method: curation. Allele origin: germline.

GeneDx
Classification: Likely benign. Last evaluated: 2020-11-19. Review status: criteria provided, single submitter. Criteria: GeneDx Variant Classification Process June 2021. Collection method: clinical testing. Allele origin: germline. Affected: yes.

Ambry Genetics
Classification: Likely benign for Hereditary cancer-predisposing syndrome. Last evaluated: 2015-10-10. Review status: criteria provided, single submitter. Criteria: Ambry Variant Classification Scheme 2023. Collection method: clinical testing. Allele origin: germline.